The following is an entry in ClinVar:

NM_020745.4(AARS2):c.2636C>T (p.Ser879Leu)

Gene: AARS2 (alanyl-tRNA synthetase 2, mitochondrial; minus strand). Cytogenetic location: 6p21.1.
Variant type: single nucleotide variant.
Coding change: c.2636C>T on transcript NM_020745.4 (MANE Select); coding-DNA position 2636, C replaced by T.
Protein change: p.Ser879Leu; replaces serine 879 with leucine.
Molecular consequence: missense variant.
Genome position (GRCh38, 1-based): chr6:44,301,427, G>A on the plus strand (C>T on the coding strand, the complement: AARS2 is on the minus strand). VCF-style: chr6-44301427-G-A. GRCh37 (hg19) VCF-style: chr6-44269164-G-A.
Other names: short protein forms S879L.
Identifiers: ClinVar variation 2077823 (VCV002077823.4), dbSNP rs770826503, ClinGen allele CA3833900.
Genomic context (GRCh38, chr6:44,301,427, plus strand): 5'-TGGCTAGCACTCACTGAGAGAGACTCAGCAGAGACTGTGTCCACAATCAGAGGCCCCTTC[G>A]AGTGCCGCTCCAGCAGCTCCTGAGTTTTCTTTGCAGCCTATGGGGCAGGAAGGACAAGCA-3'
Protein context (NP_065796.2, residues 869-889): KKTQELLERH[Ser879Leu]KGPLIVDTVS

ClinVar aggregate classification (germline): Uncertain significance (1 of 4 stars; one submission).

Allele frequency attached by ClinVar (database versions not stated): ExAC 0.00001.

Submission:

Labcorp Genetics (formerly Invitae), Labcorp
Classification: Uncertain significance. Last evaluated: 2022-07-03. Review status: criteria provided, single submitter. Criteria: Invitae Variant Classification Sherloc (09022015). Collection method: clinical testing. Allele origin: germline.
Comment: In summary, the available evidence is currently insufficient to determine the role of this variant in disease. Therefore, it has been classified as a Variant of Uncertain Significance. Advanced modeling of protein sequence and biophysical properties (such as structural, functional, and spatial information, amino acid conservation, physicochemical variation, residue mobility, and thermodynamic stability) performed at Invitae indicates that this missense variant is not expected to disrupt AARS2 protein function. This variant has not been reported in the literature in individuals affected with AARS2-related conditions. This variant is present in population databases (rs770826503, gnomAD 0.009%). This sequence change replaces serine, which is neutral and polar, with leucine, which is neutral and non-polar, at codon 879 of the AARS2 protein (p.Ser879Leu).